The following is an entry in ClinVar:

ClinVar aggregate classification (germline): Uncertain significance. Review status: criteria provided, single submitter (1 of 4 stars). 3 submissions from 3 submitters: Uncertain significance (1). 2 of the submissions do not count toward it. Last evaluated 2022-11-03.

Conditions:
Nemaline myopathy 2 (NEM2). Also called: Nemaline myopathy 2, autosomal recessive. Identifiers: MedGen C1850569, MONDO:0009725, OMIM 256030.

Allele frequency attached by ClinVar (database versions not stated): gnomAD exomes below 0.00001.

Submissions (3):

Labcorp Genetics (formerly Invitae), Labcorp
Classification: Uncertain significance for Nemaline myopathy 2. Last evaluated: 2022-11-03. Review status: criteria provided, single submitter. Criteria: Invitae Variant Classification Sherloc (09022015). Collection method: clinical testing. Allele origin: germline.
Comment: This variant, c.9819_9820insAGG, is a complex sequence change that results in the insertion of 1 amino acid(s) in the NEB protein (p.Asp3273_Val3274insArg). This variant is not present in population databases (gnomAD no frequency). This variant has not been reported in the literature in individuals affected with NEB-related conditions. ClinVar contains an entry for this variant (Variation ID: 552054). Experimental studies and prediction algorithms are not available or were not evaluated, and the functional significance of this variant is currently unknown. In summary, the available evidence is currently insufficient to determine the role of this variant in disease. Therefore, it has been classified as a Variant of Uncertain Significance.

Natera, Inc.
Classification: Uncertain significance for Nemaline myopathy type 2. Last evaluated: 2025-05-30. Review status: no assertion criteria provided. Collection method: clinical testing. Allele origin: germline. Not counted in ClinVar's aggregate classification.

Counsyl
Classification: Uncertain significance for Nemaline myopathy 2. Last evaluated: 2017-05-19. Review status: no assertion criteria provided. Collection method: clinical testing. Allele origin: unknown. Not counted in ClinVar's aggregate classification.

NM_001164508.2(NEB):c.9819_9820insAGG (p.Asp3273_Val3274insArg)

Gene: NEB (nebulin; minus strand). Cytogenetic location: 2q23.3.
Variant type: Insertion.
Coding change: c.9819_9820insAGG on transcript NM_001164508.2 (MANE Select); coding-DNA positions 9819 to 9820, AGG inserted.
Protein change: p.Asp3273_Val3274insArg.
Molecular consequence: inframe insertion.
Genome position: GRCh38 VCF-style: chr2-151629550-C-CCCT. GRCh37 (hg19) VCF-style: chr2-152486064-C-CCCT.
Other names: c.9819_9820insAGG, p.Asp3273_Val3274insArg (NM_001164507.2, NM_001271208.2); c.9090_9091insAGG, p.Asp3030_Val3031insArg (NM_004543.5).
Identifiers: ClinVar variation 552054 (VCV000552054.6), dbSNP rs1553934027, ClinGen allele CA658821405.
Genomic context (GRCh38, chr2:151,629,550, plus strand): 5'-CCTCCCCACTTCATCCATCCATGTAAATATCTAGGGTGTTGCTACTCACATCACTGATAA[C>CCCT]GTCCCTGGAGGCCTTGGCAGCCACGATGGGGATGGCGTCACTTCGCAAGTCGTAGCCTTT-3'